The following is an entry in ClinVar:

NM_000548.5(TSC2):c.2251C>G (p.Arg751Gly)

Gene: TSC2 (TSC complex subunit 2; plus strand). Cytogenetic location: 16p13.3.
Variant type: single nucleotide variant.
Coding change: c.2251C>G on transcript NM_000548.5 (MANE Select); coding-DNA position 2251, C replaced by G.
Protein change: p.Arg751Gly; replaces arginine 751 with glycine.
Molecular consequence: missense variant. On other transcripts: non-coding transcript variant (5).
Genome position (GRCh38, 1-based): chr16:2,072,879, C>G. VCF-style: chr16-2072879-C-G. GRCh37 (hg19) VCF-style: chr16-2122880-C-G.
Other names: c.2251C>G, p.Arg751Gly (NM_001114382.3, NM_001363528.2, NM_001370404.1 and 6 more transcripts); c.2140C>G, p.Arg714Gly (NM_001318827.2, NM_001406678.1, NM_001406670.1); c.2104C>G, p.Arg702Gly (NM_001318829.2, NM_001406679.1, NM_001406675.1 and 1 more transcripts); c.1651C>G, p.Arg551Gly (NM_001318831.2, NM_001406680.1, NM_001406682.1 and 6 more transcripts); c.2284C>G, p.Arg762Gly (NM_001318832.2); c.1789C>G, p.Arg597Gly (NM_001406681.1); c.907C>G, p.Arg303Gly (NM_001406697.1, NM_001406689.1, NM_001406690.1 and 6 more transcripts); c.649C>G, p.Arg217Gly (NM_001406698.1); and 3 more; short protein forms R303G, R597G, R702G, R732G, R751G, R781G, R217G, R747G.
Identifiers: ClinVar variation 4842410 (VCV004842410.1).
Genomic context (GRCh38, chr16:2,072,879, plus strand): 5'-AGAGGTTTCATGCCTGGATTTGGTCATCAGCTTTCAGGCCCAAAGACACTGGAGCGGCTC[C>G]GAGGCGCCCCAGAAGGCTTCTCCAGAACTGACTTGCACCTGGCCGTGGTTCCAGTGCTGA-3'
Protein context (NP_000539.2, residues 741-761): LSGPKTLERL[Arg751Gly]GAPEGFSRTD

ClinVar aggregate classification (germline): Uncertain significance (1 of 4 stars; one submission).

Conditions:
Hereditary cancer-predisposing syndrome. Also called: Neoplastic Syndromes, Hereditary; Tumor predisposition; Hereditary Cancer Syndrome; Hereditary neoplastic syndrome. Identifiers: Orphanet 140162, MedGen C0027672, MeSH D009386, MONDO:0015356.

Submission:

Ambry Genetics
Classification: Uncertain significance for Hereditary cancer-predisposing syndrome. Last evaluated: 2025-12-22. Review status: criteria provided, single submitter. Criteria: Ambry Variant Classification Scheme 2023. Collection method: clinical testing. Allele origin: germline.
Comment: The p.R751G variant (also known as c.2251C>G), located in coding exon 20 of the TSC2 gene, results from a C to G substitution at nucleotide position 2251. The arginine at codon 751 is replaced by glycine, an amino acid with dissimilar properties. This amino acid position is conserved. In addition, the in silico prediction for this alteration is inconclusive. Based on the available evidence, the clinical significance of this variant remains unclear.